The following is an entry in ClinVar:

ClinVar aggregate classification (germline): Uncertain significance (1 of 4 stars; one submission).

Conditions:
Mitochondrial DNA depletion syndrome 13. Also called: FBXL4-Related Encephalomyopathic Mitochondrial DNA Depletion Syndrome; Mitochondrial DNA depletion syndrome 13 (encephalomyopathic type). Identifiers: Orphanet 369897, MedGen C3809592, MONDO:0014198, OMIM 615471.

Allele frequency attached by ClinVar (database versions not stated): gnomAD exomes below 0.00001; TOPMed below 0.00001; ExAC 0.00001.

Submission:

Wong Mito Lab, Molecular and Human Genetics, Baylor College of Medicine
Classification: Uncertain significance for Mitochondrial DNA depletion syndrome 13. Last evaluated: 2017-08-10. Review status: criteria provided, single submitter. Criteria: ACMG Guidelines, 2015. Collection method: reference population. Allele origin: germline.
Comment: The NM_012160.4:c.949C>T (NP_036292.2:p.Pro317Ser) [GRCH38: NC_000006.12:g.98905580G>A] variant in FBXL4 gene is interpretated to be a Uncertain Significance - Insufficient Evidence based on ACMG guidelines (PMID: 25741868). This variant meets one or more of the following evidence codes reported in the ACMG-guideline. PM2:This variant is absent in key population databases. Based on this evidence code ClinGen Pathogenicity Calculator (PMID:28081714) suggested that the variant is Uncertain Significance - Insufficient Evidence.

NM_001278716.2(FBXL4):c.949C>T (p.Pro317Ser)

Gene: FBXL4 (F-box and leucine rich repeat protein 4; minus strand). Cytogenetic location: 6q16.2.
Variant type: single nucleotide variant.
Coding change: c.949C>T on transcript NM_001278716.2 (MANE Select); coding-DNA position 949, C replaced by T.
Protein change: p.Pro317Ser; replaces proline 317 with serine.
Molecular consequence: missense variant. On other transcripts: non-coding transcript variant (2).
Genome position (GRCh38, 1-based): chr6:98,905,580, G>A on the plus strand (C>T on the coding strand, the complement: FBXL4 is on the minus strand). VCF-style: chr6-98905580-G-A. GRCh37 (hg19) VCF-style: chr6-99353456-G-A.
Other names: c.949C>T, p.Pro317Ser (NM_012160.5); short protein forms P317S.
Identifiers: ClinVar variation 437663 (VCV000437663.1), dbSNP rs751310167, ClinGen allele CA3933576.